The following is an entry in ClinVar:

NM_001001548.3(CD36):c.949dup (p.Ile317fs)

Gene: CD36 (CD36 molecule (CD36 blood group); plus strand). Cytogenetic location: 7q21.11.
Variant type: Duplication.
Coding change: c.949dup on transcript NM_001001548.3 (MANE Select); coding-DNA position 949, one base duplicated (A; older notation c.949dupA).
Protein change: p.Ile317fs; shifts the reading frame from isoleucine 317.
Molecular consequence: frameshift variant.
Genome position (GRCh38, 1-based): chr7:80,671,107, A duplicated; the last of 6 consecutive A bases (chr7:80,671,102-80,671,107); duplicating any one gives the same sequence. VCF-style (leftmost placement, unchanged base first): chr7-80671101-G-GA. GRCh37 (hg19) VCF-style: chr7-80300417-G-GA.
Other names: c.949dupA (NM_001001547.2); c.949dup, p.Ile317fs (NM_000072.3, NM_001001547.3, NM_001127443.2 and 5 more transcripts); c.832dup, p.Ile278fs (NM_001289908.1); c.769dup, p.Ile257fs (NM_001289909.1); c.721dup, p.Ile241fs (NM_001289911.2); c.847dup, p.Ile283fs (NM_001371079.1); c.484dup, p.Ile162fs (NM_001371080.1, NM_001371081.1); short protein forms I278fs, I283fs, I241fs, I317fs, I162fs, I257fs.
Identifiers: ClinVar variation 13539 (VCV000013539.12), dbSNP rs70961716, ClinGen allele CA4315499.

ClinVar aggregate classification (germline): Pathogenic/Likely pathogenic. Review status: criteria provided, multiple submitters, no conflicts (2 of 4 stars). 5 submissions from 5 submitters: Pathogenic (1); Likely pathogenic (3). 1 of the submissions does not count toward it. Last evaluated 2025-11-17.

Conditions:
CD36-related disorder. Also called: CD36-related disorders; CD36-related condition.
Platelet-type bleeding disorder 10. Also called: CD36 DEFICIENCY. Identifiers: MedGen C1842090, MONDO:0012031, OMIM 608404.

Submissions (5):

PreventionGenetics, part of Exact Sciences
Classification: Pathogenic for CD36-related condition. Last evaluated: 2025-11-17. Review status: criteria provided, single submitter. Criteria: ACMG Guidelines, 2015. Collection method: clinical testing. Allele origin: germline.
Comment: The CD36 c.949dupA variant is predicted to result in a frameshift and premature protein termination (p.Ile317Asnfs*36). This variant has been reported in the homozygous or compound heterozygous states in individuals with CD36 deficiency (See for example, Kashiwagi et al. 1996. PubMed ID: 8696942; Reported as 949insA, Masuda et al. 2015. PubMed ID: 25798958). This variant is reported in 0.050% of alleles in individuals of East Asian descent in gnomAD. Frameshift variants in CD36 are expected to be pathogenic. This variant is interpreted as pathogenic.

Revvity Omics, Revvity
Classification: Likely pathogenic for Platelet-type bleeding disorder 10. Last evaluated: 2020-03-26. Review status: criteria provided, single submitter. Criteria: ACMG Guidelines, 2015. Collection method: clinical testing. Allele origin: germline.

Illumina Laboratory Services, Illumina
Classification: Likely pathogenic for Platelet-type bleeding disorder 10. Last evaluated: 2018-11-21. Review status: criteria provided, single submitter. Criteria: ICSL Variant Classification Criteria 09 May 2019. Collection method: clinical testing. Allele origin: germline.
Comment: The CD36 c.949dupA (p.Ile317AsnfsTer36) variant results in a frameshift and is predicted to result in premature termination of the protein. The variant has been reported in two studies in which it is found in four individuals affected with platelet glycoprotein IV deficiency. Hanawa et al. (2002) reported a family with an affected mother who was homozygous for p.Ile317AsnfsTer36 variant and two affected children who carried the variant in a compound heterozygous state with a pathogenic missense variant. Kashiwagi et al. (1996) reported an additional individual who carried the p.Ile317AsnfsTer36 variant in a compound heterozygote state with a second null allele. Control data are unavailable for this variant, which is reported at a frequency of 0.000816 in the East Asian population of the Exome Aggregation Consortium. Based on the potential impact of frameshift variants and evidence, the p.Ile317AsnfsTer36 variant is classified as likely pathogenic for platelet glycoprotein IV deficiency. This variant was observed by ICSL as part of a predisposition screen in an ostensibly healthy population.

Juno Genomics, Hangzhou Juno Genomics, Inc
Classification: Likely pathogenic for Platelet-type bleeding disorder 10. Review status: criteria provided, single submitter. Criteria: ACMG Guidelines, 2015. Collection method: clinical testing. Allele origin: germline. Affected: yes.
Comment: Null variant in a gene where loss of function (LOF) is a known mechanism of disease.;For recessive disorders, detected in trans with a pathogenic variant.;Patient's phenotype or family history is highly specific for a disease with a single genetic etiology.;Allele frequency is greater than expected for disorder.

OMIM
Classification: Pathogenic for PLATELET GLYCOPROTEIN IV DEFICIENCY. Last evaluated: 2002-04-01. Review status: no assertion criteria provided. Collection method: literature only. Allele origin: germline. Not counted in ClinVar's aggregate classification.

Literature cited by the submitters: PubMed 11950861 (cited by Illumina Laboratory Services, Illumina and OMIM); PubMed 8696942 (cited by Illumina Laboratory Services, Illumina and OMIM).